The following is an entry in ClinVar:

NM_001395656.1(ROBO2):c.733C>T (p.Arg245Cys)

Gene: ROBO2 (roundabout guidance receptor 2; plus strand). Cytogenetic location: 3p12.3.
Variant type: single nucleotide variant.
Coding change: c.733C>T on transcript NM_001395656.1 (MANE Select); coding-DNA position 733, C replaced by T.
Protein change: p.Arg245Cys; replaces arginine 245 with cysteine.
Molecular consequence: missense variant. On other transcripts: 5 prime UTR variant (1).
Genome position (GRCh38, 1-based): chr3:77,493,309, C>T. VCF-style: chr3-77493309-C-T. GRCh37 (hg19) VCF-style: chr3-77542460-C-T.
Other names: c.781C>T, p.Arg261Cys (NM_001128929.3, NM_001378190.1, NM_001378191.1 and 5 more transcripts); c.733C>T, p.Arg245Cys (NM_001290039.2, NM_001290040.2, NM_001378193.1 and 3 more transcripts); c.-1186C>T (NM_001290065.2); c.802C>T, p.Arg268Cys (NM_001378192.1, NM_001378194.1, NM_001378198.1 and 5 more transcripts); short protein forms R268C, R261C, R245C.
Identifiers: ClinVar variation 3589540 (VCV003589540.3).
Genomic context (GRCh38, chr3:77,493,309, plus strand): 5'-CCCACATTTCTCAGGAGGCCAATTAACCAGGTGGTACTGGAGGAAGAAGCTGTAGAATTT[C>T]GTTGTCAAGTCCAAGGAGATCCTCAACCAACTGTGAGGTGGAAAAAGGATGATGCAGACT-3'
Protein context (NP_001382585.1, residues 235-255): VVLEEEAVEF[Arg245Cys]CQVQGDPQPT

ClinVar aggregate classification (germline): Uncertain significance. Review status: criteria provided, multiple submitters, no conflicts (2 of 4 stars). 2 submissions from 2 submitters: Uncertain significance (2). Last evaluated 2025-03-07.
ClinVar aggregate classification (somatic clinical impact): Tier II - Potential (1 of 4 stars; one submission).

Conditions:
Vesicoureteral reflux 2 (VUR2). Identifiers: Orphanet 289365, MedGen C1970483, MONDO:0012573, OMIM 610878.
Melanoma. Identifiers: MedGen C0025202, MeSH D008545, MONDO:0005105, HP:0002861.

gnomAD v4.1: 64 of 1,613,600 alleles (0.004%); highest among the groups gnomAD compares: Admixed American, 0.012%; no homozygotes.

Submissions (3):

Labcorp Genetics (formerly Invitae), Labcorp
Classification: Uncertain significance. Last evaluated: 2025-03-07. Review status: criteria provided, single submitter. Criteria: Invitae Variant Classification Sherloc (09022015). Collection method: clinical testing. Allele origin: germline.
Comment: This sequence change replaces arginine, which is basic and polar, with cysteine, which is neutral and slightly polar, at codon 245 of the ROBO2 protein (p.Arg245Cys). This variant is present in population databases (rs567065372, gnomAD 0.006%). This variant has not been reported in the literature in individuals affected with ROBO2-related conditions. ClinVar contains an entry for this variant (Variation ID: 3589540). Invitae Evidence Modeling of protein sequence and biophysical properties (such as structural, functional, and spatial information, amino acid conservation, physicochemical variation, residue mobility, and thermodynamic stability) indicates that this missense variant is not expected to disrupt ROBO2 protein function with a negative predictive value of 95%. In summary, the available evidence is currently insufficient to determine the role of this variant in disease. Therefore, it has been classified as a Variant of Uncertain Significance.

Fulgent Genetics
Classification: Uncertain significance for Vesicoureteral reflux 2. Last evaluated: 2024-03-11. Review status: criteria provided, single submitter. Criteria: ACMG Guidelines, 2015. Collection method: clinical testing. Allele origin: germline.

Institute for Genomic Medicine (IGM) Clinical Laboratory, Nationwide Children's Hospital
Classification: Tier II - Potential for Melanoma. Assertion type: diagnostic. Clinical significance: supports diagnosis. Last evaluated: 2023-07-12. Review status: criteria provided, single submitter. Criteria: AMP/ASCO/CAP Guidelines, 2017. Collection method: clinical testing. Allele origin: somatic. Affected: yes.
Comment: Variant has Tier II (potential) clinical significance as a diagnostic inclusion criterion in melanoma, based on the following evidence: 1) Documented in one or more cancer databases (e.g., St. Jude Pecan, COSMIC, CIViC, OncoKB). 2) Assists in diagnosis alone or along with other biomarkers based on small studies or few case reports (Evidence Level D; PMIDs: 28467829, 26214590, 26997480, 26359337).

Literature cited by the submitters: PubMed 28467829 (cited by Institute for Genomic Medicine (IGM) Clinical Laboratory, Nationwide Children's Hospital); PubMed 26214590 (cited by Institute for Genomic Medicine (IGM) Clinical Laboratory, Nationwide Children's Hospital); PubMed 26997480 (cited by Institute for Genomic Medicine (IGM) Clinical Laboratory, Nationwide Children's Hospital); PubMed 26359337 (cited by Institute for Genomic Medicine (IGM) Clinical Laboratory, Nationwide Children's Hospital).